The following is an entry in ClinVar:

ClinVar aggregate classification (germline): Uncertain significance (1 of 4 stars; one submission).

Conditions:
Arrhythmogenic right ventricular dysplasia 13. Also called: ARRHYTHMOGENIC RIGHT VENTRICULAR CARDIOMYOPATHY 13; Arrhythmogenic right ventricular dysplasia, familial, 13. Identifiers: MedGen C3810138, MONDO:0000908, OMIM 615616.

gnomAD v4.1: 1 of 1,601,188 alleles (0.000062%); highest among the groups gnomAD compares: Admixed American, 0.0017%; no homozygotes.

Submission:

Labcorp Genetics (formerly Invitae), Labcorp
Classification: Uncertain significance for Arrhythmogenic right ventricular dysplasia 13. Last evaluated: 2024-05-27. Review status: criteria provided, single submitter. Criteria: Invitae Variant Classification Sherloc (09022015). Collection method: clinical testing. Allele origin: germline.
Comment: This sequence change replaces arginine, which is basic and polar, with leucine, which is neutral and non-polar, at codon 628 of the CTNNA3 protein (p.Arg628Leu). This variant is not present in population databases (gnomAD no frequency). This variant has not been reported in the literature in individuals affected with CTNNA3-related conditions. Experimental studies and prediction algorithms are not available or were not evaluated, and the functional significance of this variant is currently unknown. In summary, the available evidence is currently insufficient to determine the role of this variant in disease. Therefore, it has been classified as a Variant of Uncertain Significance.

NM_013266.4(CTNNA3):c.1883G>T (p.Arg628Leu)

Gene: CTNNA3 (catenin alpha 3; minus strand). Cytogenetic location: 10q21.3.
Variant type: single nucleotide variant.
Coding change: c.1883G>T on transcript NM_013266.4 (MANE Select); coding-DNA position 1883, G replaced by T.
Protein change: p.Arg628Leu; replaces arginine 628 with leucine.
Molecular consequence: missense variant.
Genome position (GRCh38, 1-based): chr10:66,280,471, C>A on the plus strand (G>T on the coding strand, the complement: CTNNA3 is on the minus strand). VCF-style: chr10-66280471-C-A. GRCh37 (hg19) VCF-style: chr10-68040229-C-A.
Other names: c.1883G>T, p.Arg628Leu (NM_001127384.3); short protein forms R628L.
Identifiers: ClinVar variation 3693477 (VCV003693477.2).